The following is an entry in ClinVar:

NM_002878.4(RAD51D):c.208G>T (p.Asp70Tyr)

Genes: RAD51D (RAD51 paralog D; minus strand), RAD51L3-RFFL (RAD51L3-RFFL readthrough; minus strand). Cytogenetic location: 17q12.
Variant type: single nucleotide variant.
Coding change: c.208G>T on transcript NM_002878.4 (MANE Select); coding-DNA position 208, G replaced by T.
Protein change: p.Asp70Tyr; replaces aspartic acid 70 with tyrosine.
Molecular consequence: missense variant. On other transcripts: intron variant (2).
Genome position (GRCh38, 1-based): chr17:35,118,556, C>A on the plus strand (G>T on the coding strand, the complement: RAD51D is on the minus strand). VCF-style: chr17-35118556-C-A. GRCh37 (hg19) VCF-style: chr17-33445575-C-A.
Other names: c.144+555G>T (NM_133629.3, NM_001142571.2); short protein forms D70Y.
Identifiers: ClinVar variation 2682069 (VCV002682069.1), dbSNP rs142189122, ClinGen allele CA399091340.

ClinVar aggregate classification (germline): Uncertain significance (1 of 4 stars; one submission).

Submission:

Quest Diagnostics Nichols Institute San Juan Capistrano
Classification: Uncertain significance. Last evaluated: 2022-11-07. Review status: criteria provided, single submitter. Criteria: Quest Diagnostics criteria. Collection method: clinical testing. Allele origin: unknown.
Comment: This variant has not been reported in the published literature. It also has not been reported in large, multi-ethnic general populations. Analysis of this variant using bioinformatics tools for the prediction of the effect of amino acid changes on protein structure and function yielded predictions that this variant is damaging. Based on the available information, we are unable to determine the clinical significance of this variant.